The following is an entry in ClinVar:

NM_001134407.3(GRIN2A):c.1447G>A (p.Gly483Arg)

Gene: GRIN2A (glutamate ionotropic receptor NMDA type subunit 2A; minus strand). Cytogenetic location: 16p13.2.
Variant type: single nucleotide variant.
Coding change: c.1447G>A on transcript NM_001134407.3 (MANE Select); coding-DNA position 1447, G replaced by A.
Protein change: p.Gly483Arg; replaces glycine 483 with arginine.
Molecular consequence: missense variant.
Genome position (GRCh38, 1-based): chr16:9,840,986, C>T on the plus strand (G>A on the coding strand, the complement: GRIN2A is on the minus strand). VCF-style: chr16-9840986-C-T. GRCh37 (hg19) VCF-style: chr16-9934843-C-T.
Other names: c.1447G>A, p.Gly483Arg (NM_000833.5, NM_001134408.2); short protein forms G483R.
Identifiers: ClinVar variation 812185 (VCV000812185.4), dbSNP rs2042667149, ClinGen allele CA394800634.

ClinVar aggregate classification (germline): Pathogenic/Likely pathogenic. Review status: criteria provided, multiple submitters, no conflicts (2 of 4 stars). 3 submissions from 3 submitters: Pathogenic (1); Likely pathogenic (2). Last evaluated 2024-01-05.

Conditions:
Landau-Kleffner syndrome (FESD). Also called: APHASIA, ACQUIRED, WITH EPILEPSY; EPILEPSY, FOCAL, WITH SPEECH DISORDER AND WITH OR WITHOUT MENTAL RETARDATION. Identifiers: Orphanet 1945, Orphanet 725, Orphanet 98818, MedGen C0282512, MONDO:0009509, OMIM 245570.

Submissions (3):

Fulgent Genetics
Classification: Likely pathogenic for Landau-Kleffner syndrome. Last evaluated: 2024-01-05. Review status: criteria provided, single submitter. Criteria: ACMG Guidelines, 2015. Collection method: clinical testing. Allele origin: germline.

Cavalleri Lab, Royal College of Surgeons in Ireland
Classification: Pathogenic for Landau-Kleffner syndrome. Last evaluated: 2019-12-11. Review status: criteria provided, single submitter. Criteria: ACMG Guidelines, 2015. Collection method: research. Allele origin: de novo. Inheritance: Sporadic. Affected: yes.
Comment: ACMG evidence PVS1, PS2, PM2

Institute of Human Genetics, University of Leipzig Medical Center
Classification: Likely pathogenic for Landau-Kleffner syndrome. Last evaluated: 2019-01-01. Review status: criteria provided, single submitter. Criteria: ACMG Guidelines, 2015. Collection method: research. Allele origin: unknown. Affected: yes.

Literature cited by the submitters: PubMed 32238909 (cited by Cavalleri Lab, Royal College of Surgeons in Ireland); PubMed 30544257 (cited by Institute of Human Genetics, University of Leipzig Medical Center).